The following is an entry in ClinVar:

ClinVar aggregate classification (germline): Uncertain significance (1 of 4 stars; one submission).

Conditions:
Psychomotor retardation, epilepsy, and craniofacial dysmorphism (NEDHCS). Also called: NEURODEVELOPMENTAL DISORDER WITH HYPOTONIA, CRANIOFACIAL ABNORMALITIES, AND SEIZURES. Identifiers: MedGen C3281055, MONDO:0013787, OMIM 614501.

Allele frequency attached by ClinVar (database versions not stated): TOPMed below 0.00001.

Submission:

Baylor Genetics
Classification: Uncertain significance for Psychomotor retardation, epilepsy, and craniofacial dysmorphism. Last evaluated: 2018-01-22. Review status: criteria provided, single submitter. Criteria: ACMG Guidelines, 2015. Collection method: clinical testing. Allele origin: maternal. Affected: yes.
Comment: This variant was determined to be of uncertain significance according to ACMG Guidelines, 2015 [PMID:25741868].

NM_024700.4(SNIP1):c.1085T>A (p.Phe362Tyr)

Gene: SNIP1 (Smad nuclear interacting protein 1; minus strand). Cytogenetic location: 1p34.3.
Variant type: single nucleotide variant.
Coding change: c.1085T>A on transcript NM_024700.4 (MANE Select); coding-DNA position 1085, T replaced by A.
Protein change: p.Phe362Tyr; replaces phenylalanine 362 with tyrosine.
Molecular consequence: missense variant.
Genome position (GRCh38, 1-based): chr1:37,537,854, A>T on the plus strand (T>A on the coding strand, the complement: SNIP1 is on the minus strand). VCF-style: chr1-37537854-A-T. GRCh37 (hg19) VCF-style: chr1-38003455-A-T.
Other names: short protein forms F362Y.
Identifiers: ClinVar variation 1033643 (VCV001033643.1), dbSNP rs1643118139, ClinGen allele CA339444665.